The following is an entry in ClinVar:

NM_001367624.2(ZNF469):c.5188G>C (p.Gly1730Arg)

Gene: ZNF469 (zinc finger protein 469; plus strand). Cytogenetic location: 16q24.2.
Variant type: single nucleotide variant.
Coding change: c.5188G>C on transcript NM_001367624.2 (MANE Select); coding-DNA position 5188, G replaced by C.
Protein change: p.Gly1730Arg; replaces glycine 1730 with arginine.
Molecular consequence: missense variant.
Genome position (GRCh38, 1-based): chr16:88,432,658, G>C. VCF-style: chr16-88432658-G-C. GRCh37 (hg19) VCF-style: chr16-88499066-G-C.
Other names: NM_001127464.1:c.5104G>C; short protein forms G1730R.
Identifiers: ClinVar variation 3821149 (VCV003821149.2).

ClinVar aggregate classification (germline): Uncertain significance. Review status: criteria provided, multiple submitters, no conflicts (2 of 4 stars). 2 submissions from 2 submitters: Uncertain significance (2). Last evaluated 2025-02-13.

Conditions:
Cardiovascular phenotype. Identifiers: MedGen CN230736.

gnomAD v4.1: 1 of 1,550,436 alleles (0.000064%); highest among the groups gnomAD compares: Non-Finnish European, 0.000087%; no homozygotes.

Submissions (2):

Ambry Genetics
Classification: Uncertain significance for Cardiovascular phenotype. Last evaluated: 2025-02-13. Review status: criteria provided, single submitter. Criteria: Ambry Variant Classification Scheme 2023. Collection method: clinical testing. Allele origin: germline.
Comment: The p.G1702R variant (also known as c.5104G>C), located in coding exon 2 of the ZNF469 gene, results from a G to C substitution at nucleotide position 5104. The glycine at codon 1702 is replaced by arginine, an amino acid with dissimilar properties. This amino acid position is conserved. In addition, this alteration is predicted to be tolerated by in silico analysis. Based on the available evidence, the clinical significance of this variant remains unclear.

GeneDx
Classification: Uncertain significance. Last evaluated: 2024-12-16. Review status: criteria provided, single submitter. Criteria: GeneDx Variant Classification Process June 2021. Collection method: clinical testing. Allele origin: germline. Affected: yes.
Comment: Not observed at significant frequency in large population cohorts (gnomAD); In silico analysis indicates that this missense variant does not alter protein structure/function; Has not been previously published as pathogenic or benign to our knowledge